The following is an entry in ClinVar:

NM_001165963.4(SCN1A):c.4991T>C (p.Met1664Thr)

Genes: SCN1A (sodium voltage-gated channel alpha subunit 1; minus strand), LOC102724058 (uncharacterized LOC102724058; plus strand). Cytogenetic location: 2q24.3.
Variant type: single nucleotide variant.
Coding change: c.4991T>C on transcript NM_001165963.4 (MANE Select); coding-DNA position 4991, T replaced by C.
Protein change: p.Met1664Thr; replaces methionine 1664 with threonine.
Molecular consequence: missense variant. On other transcripts: non-coding transcript variant (1).
Genome position (GRCh38, 1-based): chr2:165,992,284, A>G on the plus strand (T>C on the coding strand, the complement: SCN1A is on the minus strand). VCF-style: chr2-165992284-A-G. GRCh37 (hg19) VCF-style: chr2-166848794-A-G.
Other names: c.4907T>C, p.Met1636Thr (NM_001165964.3, NM_001353957.2, NM_001353958.2); c.4991T>C, p.Met1664Thr (NM_001202435.3, NM_001353948.2); c.4958T>C, p.Met1653Thr (NM_001353949.2, NM_001353950.2, NM_001353951.2 and 2 more transcripts); c.4955T>C, p.Met1652Thr (NM_001353954.2, NM_001353955.2); c.4904T>C, p.Met1635Thr (NM_001353960.2); c.2549T>C, p.Met850Thr (NM_001353961.2); short protein forms M1653T, M1664T, M1635T, M1652T, M850T, M1636T.
Identifiers: ClinVar variation 408926 (VCV000408926.9), dbSNP rs121918765, ClinGen allele CA16610239.

ClinVar aggregate classification (germline): Likely pathogenic (1 of 4 stars; one submission).

Conditions:
Early-infantile DEE. Also called: Early infantile epileptic encephalopathy; Early infantile epileptic encephalopathy with suppression bursts; Ohtahara syndrome. Identifiers: Orphanet 1934, MedGen C0393706, MONDO:0800491.

Submission:

Labcorp Genetics (formerly Invitae), Labcorp
Classification: Likely pathogenic for Early-infantile DEE. Last evaluated: 2017-05-15. Review status: criteria provided, single submitter. Criteria: Invitae Variant Classification Sherloc (09022015). Collection method: clinical testing. Allele origin: germline.
Comment: This variant is not present in population databases (ExAC no frequency) and has not been reported in the literature in individuals with an SCN1A-related disease. This sequence change replaces methionine with threonine at codon 1664 of the SCN1A protein (p.Met1664Thr). The methionine residue is highly conserved and there is a moderate physicochemical difference between methionine and threonine. This variant is located in an extracellular D4 cytoplasmic domain, a region of the SCN1A protein where several previously reported SCN1A missense mutations are found (PMID: 25348405, 18804930) but it is unclear how this variant impacts the function of this protein. Algorithms developed to predict the effect of missense changes on protein structure and function (SIFT, PolyPhen-2, Align-GVGD) all suggest that this variant is likely to be disruptive, but these predictions have not been confirmed by published functional studies. This evidence indicates that the variant is pathogenic, but additional data is needed to prove that conclusively. Therefore, this variant has been classified as Likely Pathogenic. Family studies have indicated that this variant was not present in the parents of an individual with neonatal seizures, which suggests that it was de novo in that affected individual (Invitae).

Literature cited by the submitters: PubMed 25348405; PubMed 18804930.